The following is an entry in ClinVar:

NM_001903.5(CTNNA1):c.1729A>G (p.Lys577Glu)

Gene: CTNNA1 (catenin alpha 1; plus strand). Cytogenetic location: 5q31.2.
Variant type: single nucleotide variant.
Coding change: c.1729A>G on transcript NM_001903.5 (MANE Select); coding-DNA position 1729, A replaced by G.
Protein change: p.Lys577Glu; replaces lysine 577 with glutamic acid.
Molecular consequence: missense variant.
Genome position (GRCh38, 1-based): chr5:138,924,692, A>G. VCF-style: chr5-138924692-A-G. GRCh37 (hg19) VCF-style: chr5-138260381-A-G.
Other names: c.1729A>G, p.Lys577Glu (NM_001290307.3, NM_001323982.2, NM_001323983.1 and 2 more transcripts); c.1420A>G, p.Lys474Glu (NM_001290309.3); c.1360A>G, p.Lys454Glu (NM_001290310.3); c.619A>G, p.Lys207Glu (NM_001290312.1, NM_001323987.1, NM_001323988.1 and 17 more transcripts); c.1636A>G, p.Lys546Glu (NM_001323986.2); c.280A>G, p.Lys94Glu (NM_001324006.1, NM_001324007.1, NM_001324008.1 and 2 more transcripts); c.526A>G, p.Lys176Glu (NM_001324011.1); c.376A>G, p.Lys126Glu (NM_001324012.1, NM_001324013.1); short protein forms K474E, K94E, K126E, K207E, K546E, K577E, K176E, K454E.
Identifiers: ClinVar variation 1401432 (VCV001401432.8), dbSNP rs2150289859, ClinGen allele CA361132067.

ClinVar aggregate classification (germline): Uncertain significance (1 of 4 stars; one submission).

Submission:

Labcorp Genetics (formerly Invitae), Labcorp
Classification: Uncertain significance. Last evaluated: 2024-03-28. Review status: criteria provided, single submitter. Criteria: Invitae Variant Classification Sherloc (09022015). Collection method: clinical testing. Allele origin: germline.
Comment: This sequence change replaces lysine, which is basic and polar, with glutamic acid, which is acidic and polar, at codon 577 of the CTNNA1 protein (p.Lys577Glu). This variant is not present in population databases (gnomAD no frequency). This variant has not been reported in the literature in individuals affected with CTNNA1-related conditions. ClinVar contains an entry for this variant (Variation ID: 1401432). Advanced modeling of protein sequence and biophysical properties (such as structural, functional, and spatial information, amino acid conservation, physicochemical variation, residue mobility, and thermodynamic stability) performed at Invitae indicates that this missense variant is not expected to disrupt CTNNA1 protein function with a negative predictive value of 80%. In summary, the available evidence is currently insufficient to determine the role of this variant in disease. Therefore, it has been classified as a Variant of Uncertain Significance.